The following is an entry in ClinVar:

ClinVar aggregate classification (germline): Uncertain significance (1 of 4 stars; one submission).

Conditions:
Kabuki syndrome. Also called: Kabuki make-up syndrome; NIIKAWA-KUROKI SYNDROME. Identifiers: Orphanet 2322, MedGen C0796004, MONDO:0016512.

gnomAD v4.1: 2 of 1,607,448 alleles (0.00012%); highest among the groups gnomAD compares: Admixed American, 0.0033%; no homozygotes.

Submission:

Labcorp Genetics (formerly Invitae), Labcorp
Classification: Uncertain significance for Kabuki syndrome. Last evaluated: 2024-06-17. Review status: criteria provided, single submitter. Criteria: Invitae Variant Classification Sherloc (09022015). Collection method: clinical testing. Allele origin: germline.
Comment: This sequence change replaces glutamic acid, which is acidic and polar, with glycine, which is neutral and non-polar, at codon 4510 of the KMT2D protein (p.Glu4510Gly). This variant is not present in population databases (gnomAD no frequency). This variant has not been reported in the literature in individuals affected with KMT2D-related conditions. Experimental studies and prediction algorithms are not available or were not evaluated, and the functional significance of this variant is currently unknown. In summary, the available evidence is currently insufficient to determine the role of this variant in disease. Therefore, it has been classified as a Variant of Uncertain Significance.

NM_003482.4(KMT2D):c.13529A>G (p.Glu4510Gly)

Gene: KMT2D (lysine methyltransferase 2D; minus strand). Cytogenetic location: 12q13.12.
Variant type: single nucleotide variant.
Coding change: c.13529A>G on transcript NM_003482.4 (MANE Select); coding-DNA position 13529, A replaced by G.
Protein change: p.Glu4510Gly; replaces glutamic acid 4510 with glycine.
Molecular consequence: missense variant.
Genome position (GRCh38, 1-based): chr12:49,031,176, T>C on the plus strand (A>G on the coding strand, the complement: KMT2D is on the minus strand). VCF-style: chr12-49031176-T-C. GRCh37 (hg19) VCF-style: chr12-49424959-T-C.
Other names: short protein forms E4510G.
Identifiers: ClinVar variation 3710597 (VCV003710597.2).